The following is an entry in ClinVar:

ClinVar aggregate classification (germline): Uncertain significance. Review status: criteria provided, multiple submitters, no conflicts (2 of 4 stars). 2 submissions from 2 submitters: Uncertain significance (2). Last evaluated 2025-12-29.

Conditions:
Inborn genetic diseases. Identifiers: MedGen C0950123, MeSH D030342.

Allele frequency attached by ClinVar (database versions not stated): TOPMed 0.00003; gnomAD exomes 0.00006; gnomAD 0.00001.
gnomAD v4.1: 94 of 1,613,902 alleles (0.0058%); highest among the groups gnomAD compares: Non-Finnish European, 0.0072%; no homozygotes.

Submissions (3):

Labcorp Genetics (formerly Invitae), Labcorp
Classification: Uncertain significance. Last evaluated: 2025-12-29. Review status: criteria provided, single submitter. Criteria: Invitae Variant Classification Sherloc (09022015). Collection method: clinical testing. Allele origin: germline.
Comment: This sequence change replaces serine, which is neutral and polar, with cysteine, which is neutral and slightly polar, at codon 2251 of the FLNB protein (p.Ser2251Cys). This variant is not present in population databases (gnomAD no frequency). This variant has not been reported in the literature in individuals affected with FLNB-related conditions. ClinVar contains an entry for this variant (Variation ID: 2488401). Invitae Evidence Modeling of protein sequence and biophysical properties (such as structural, functional, and spatial information, amino acid conservation, physicochemical variation, residue mobility, and thermodynamic stability) indicates that this missense variant is not expected to disrupt FLNB protein function with a negative predictive value of 95%. In summary, the available evidence is currently insufficient to determine the role of this variant in disease. Therefore, it has been classified as a Variant of Uncertain Significance.

Ambry Genetics
Classification: Uncertain significance for Inborn genetic diseases. Last evaluated: 2023-02-23. Review status: criteria provided, single submitter. Criteria: Ambry Variant Classification Scheme 2023. Collection method: clinical testing. Allele origin: germline.

Dr. Peter K. Rogan Lab, Western University
No classification provided (evidence only). Condition: Hepatocellular carcinoma. Review status: no classification provided. Collection method: in vitro. Allele origin: not applicable. Functional consequence: retained intron. Not counted in ClinVar's aggregate classification.

NM_001457.4(FLNB):c.6752C>G (p.Ser2251Cys)

Gene: FLNB (filamin B; plus strand). Cytogenetic location: 3p14.3.
Variant type: single nucleotide variant.
Coding change: c.6752C>G on transcript NM_001457.4 (MANE Select); coding-DNA position 6752, C replaced by G.
Protein change: p.Ser2251Cys; replaces serine 2251 with cysteine.
Molecular consequence: missense variant.
Genome position (GRCh38, 1-based): chr3:58,154,908, C>G. VCF-style: chr3-58154908-C-G. GRCh37 (hg19) VCF-style: chr3-58140635-C-G.
Other names: c.6845C>G, p.Ser2282Cys (NM_001164317.2); c.6719C>G, p.Ser2240Cys (NM_001164318.2); c.6680C>G, p.Ser2227Cys (NM_001164319.2); short protein forms S2240C, S2251C, S2282C, S2227C.
Identifiers: ClinVar variation 2488401 (VCV002488401.6), dbSNP rs1014726609, ClinGen allele CA75477114.